The following is an entry in ClinVar:

ClinVar aggregate classification (germline): Uncertain significance. Review status: criteria provided, multiple submitters, no conflicts (2 of 4 stars). 2 submissions from 2 submitters: Uncertain significance (2). Last evaluated 2024-05-10.

Conditions:
Familial melanoma. Also called: Hereditary melanoma; Hereditary cutaneous melanoma. Identifiers: Orphanet 618, MedGen C1512419, MONDO:0018961.
Hereditary cancer-predisposing syndrome. Also called: Neoplastic Syndromes, Hereditary; Tumor predisposition; Hereditary neoplastic syndrome; Hereditary Cancer Syndrome. Identifiers: Orphanet 140162, MedGen C0027672, MeSH D009386, MONDO:0015356.

Submissions (2):

Ambry Genetics
Classification: Uncertain significance for Hereditary cancer-predisposing syndrome. Last evaluated: 2024-05-10. Review status: criteria provided, single submitter. Criteria: Ambry Variant Classification Scheme 2023. Collection method: clinical testing. Allele origin: germline.
Comment: The p.A248G variant (also known as c.743C>G), located in coding exon 6 of the CDK4 gene, results from a C to G substitution at nucleotide position 743. The alanine at codon 248 is replaced by glycine, an amino acid with similar properties. This amino acid position is well conserved in available vertebrate species. In addition, this alteration is predicted to be tolerated by in silico analysis. Since supporting evidence is limited at this time, the clinical significance of this alteration remains unclear.

Labcorp Genetics (formerly Invitae), Labcorp
Classification: Uncertain significance for Familial melanoma. Last evaluated: 2024-01-21. Review status: criteria provided, single submitter. Criteria: Invitae Variant Classification Sherloc (09022015). Collection method: clinical testing. Allele origin: germline.
Comment: This sequence change replaces alanine, which is neutral and non-polar, with glycine, which is neutral and non-polar, at codon 248 of the CDK4 protein (p.Ala248Gly). This variant is not present in population databases (gnomAD no frequency). This variant has not been reported in the literature in individuals affected with CDK4-related conditions. ClinVar contains an entry for this variant (Variation ID: 827047). Advanced modeling of protein sequence and biophysical properties (such as structural, functional, and spatial information, amino acid conservation, physicochemical variation, residue mobility, and thermodynamic stability) performed at Invitae indicates that this missense variant is not expected to disrupt CDK4 protein function with a negative predictive value of 95%. In summary, the available evidence is currently insufficient to determine the role of this variant in disease. Therefore, it has been classified as a Variant of Uncertain Significance.

NM_000075.4(CDK4):c.743C>G (p.Ala248Gly)

Genes: TSPAN31 (tetraspanin 31; plus strand), CDK4 (cyclin dependent kinase 4; minus strand). Cytogenetic location: 12q14.1.
Variant type: single nucleotide variant.
Coding change: c.743C>G on transcript NM_000075.4 (MANE Select); coding-DNA position 743, C replaced by G.
Protein change: p.Ala248Gly; replaces alanine 248 with glycine.
Molecular consequence: missense variant. On other transcripts: 3 prime UTR variant (3).
Genome position (GRCh38, 1-based): chr12:57,749,258, G>C on the plus strand (C>G on the coding strand, the complement: CDK4 is on the minus strand). VCF-style: chr12-57749258-G-C. GRCh37 (hg19) VCF-style: chr12-58143041-G-C.
Other names: c.*1968G>C (NM_001330168.2, NM_001330169.2, NM_005981.5); short protein forms A248G.
Identifiers: ClinVar variation 827047 (VCV000827047.8), dbSNP rs1595108770, ClinGen allele CA385543384.